The following is an entry in ClinVar:

ClinVar aggregate classification (germline): Pathogenic (1 of 4 stars; one submission).

Conditions:
Hereditary breast ovarian cancer syndrome. Also called: Hereditary breast and ovarian cancer syndrome (HBOC); Hereditary breast and/or ovarian cancer syndrome; Hereditary breast and ovarian cancer; BRCA1- and BRCA2-Associated Hereditary Breast and Ovarian Cancer; Hereditary breast and ovarian cancer syndrome; Breast and ovarian cancer. Identifiers: Orphanet 145, MedGen C0677776, MeSH D061325, MONDO:0003582. Disease mechanism: loss of function.

Submission:

Labcorp Genetics (formerly Invitae), Labcorp
Classification: Pathogenic for Hereditary breast ovarian cancer syndrome. Last evaluated: 2020-10-19. Review status: criteria provided, single submitter. Criteria: Invitae Variant Classification Sherloc (09022015). Collection method: clinical testing. Allele origin: germline.
Comment: This variant is an out-of-frame deletion of the genomic region encompassing exons 12-14 of the BRCA1 gene. This creates a premature translational stop signal and is expected to result in an absent or disrupted protein product. Deletion of exons 12-14 has been observed in individuals affected with breast/ovarian cancer (PMID: 117470134, 20617377, 18431737, 19669600). Deletion of exons 12-14 is also known as a deletion of exons 13-15 in the literature. Loss-of-function variants in BRCA1 are known to be pathogenic (PMID: 20104584). For these reasons, this variant has been classified as Pathogenic.

Literature cited by the submitters: PubMed 117470134; PubMed 20617377; PubMed 18431737; PubMed 19669600; PubMed 20104584.

NC_000017.10:g.(?_41226328)_(41234612_?)del

Gene: BRCA1 (BRCA1 DNA repair associated; minus strand). Cytogenetic location: 17q21.31.
Variant type: Deletion.
Identifiers: ClinVar variation 1071182 (VCV001071182.1).